The following is an entry in ClinVar:

ClinVar aggregate classification (germline): Uncertain significance (1 of 4 stars; one submission).

Submission:

GeneDx
Classification: Uncertain significance. Last evaluated: 2025-09-23. Review status: criteria provided, single submitter. Criteria: GeneDx Variant Classification Process June 2021. Collection method: clinical testing. Allele origin: germline. Affected: yes.
Comment: Not observed at significant frequency in large population cohorts (gnomAD); In silico analysis supports that this missense variant has a deleterious effect on protein structure/function; Has not been previously published as pathogenic or benign to our knowledge

NM_001099922.3(ALG13):c.46C>T (p.Leu16Phe)

Gene: ALG13 (ALG13 UDP-N-acetylglucosaminyltransferase subunit; plus strand). Cytogenetic location: Xq23.
Variant type: single nucleotide variant.
Coding change: c.46C>T on transcript NM_001099922.3 (MANE Select); coding-DNA position 46, C replaced by T.
Protein change: p.Leu16Phe; replaces leucine 16 with phenylalanine.
Molecular consequence: missense variant. On other transcripts: non-coding transcript variant (3), 5 prime UTR variant (9).
Genome position (GRCh38, 1-based): chrX:111,681,264, C>T. VCF-style: chrX-111681264-C-T. GRCh37 (hg19) VCF-style: chrX-110924492-C-T.
Other names: c.46C>T, p.Leu16Phe (NM_018466.6, NM_001039210.5, NM_001168385.3 and 2 more transcripts); c.-163C>T (NM_001257230.2, NM_001324291.2); c.-255C>T (NM_001257231.2, NM_001257241.3); c.-288C>T (NM_001257234.2, NM_001257235.3); c.-392C>T (NM_001257237.2, NM_001257240.3, NM_001324293.1); short protein forms L16F.
Identifiers: ClinVar variation 4086679 (VCV004086679.1).